The following is an entry in ClinVar:

NM_002317.7(LOX):c.1204T>C (p.Tyr402His)

Genes: LOX (lysyl oxidase; minus strand), SRFBP1 (serum response factor binding protein 1; plus strand). Cytogenetic location: 5q23.1.
Variant type: single nucleotide variant.
Coding change: c.1204T>C on transcript NM_002317.7 (MANE Select); coding-DNA position 1204, T replaced by C.
Protein change: p.Tyr402His; replaces tyrosine 402 with histidine.
Molecular consequence: missense variant.
Genome position (GRCh38, 1-based): chr5:122,070,096, A>G on the plus strand (T>C on the coding strand, the complement: LOX is on the minus strand). VCF-style: chr5-122070096-A-G. GRCh37 (hg19) VCF-style: chr5-121405791-A-G.
Other names: c.514T>C, p.Tyr172His (NM_001178102.2); c.313T>C, p.Tyr105His (NM_001317073.1); short protein forms Y105H, Y172H, Y402H.
Identifiers: ClinVar variation 3641384 (VCV003641384.2).

ClinVar aggregate classification (germline): Uncertain significance (1 of 4 stars; one submission).

Submission:

Labcorp Genetics (formerly Invitae), Labcorp
Classification: Uncertain significance. Last evaluated: 2024-02-16. Review status: criteria provided, single submitter. Criteria: Invitae Variant Classification Sherloc (09022015). Collection method: clinical testing. Allele origin: germline.
Comment: This sequence change replaces tyrosine, which is neutral and polar, with histidine, which is basic and polar, at codon 402 of the LOX protein (p.Tyr402His). This variant is not present in population databases (gnomAD no frequency). This variant has not been reported in the literature in individuals affected with LOX-related conditions. Advanced modeling of protein sequence and biophysical properties (such as structural, functional, and spatial information, amino acid conservation, physicochemical variation, residue mobility, and thermodynamic stability) performed at Invitae indicates that this missense variant is expected to disrupt LOX protein function with a positive predictive value of 80%. In summary, the available evidence is currently insufficient to determine the role of this variant in disease. Therefore, it has been classified as a Variant of Uncertain Significance.